The following is an entry in ClinVar:

NM_001384474.1(LOXHD1):c.717C>T (p.Gly239=)

Gene: LOXHD1 (lipoxygenase homology PLAT domains 1; minus strand). Cytogenetic location: 18q21.1.
Variant type: single nucleotide variant.
Coding change: c.717C>T on transcript NM_001384474.1 (MANE Select); coding-DNA position 717, C replaced by T.
Protein change: p.Gly239=; no amino-acid change (glycine 239 retained).
Molecular consequence: synonymous variant.
Genome position (GRCh38, 1-based): chr18:46,610,818, G>A on the plus strand (C>T on the coding strand, the complement: LOXHD1 is on the minus strand). VCF-style: chr18-46610818-G-A. GRCh37 (hg19) VCF-style: chr18-44190781-G-A.
Other names: c.717C>T, p.Gly239= (NM_144612.7).
Identifiers: ClinVar variation 513083 (VCV000513083.8), dbSNP rs1555686141, ClinGen allele CA503822253.

ClinVar aggregate classification (germline): Likely benign. Review status: criteria provided, multiple submitters, no conflicts (2 of 4 stars). 2 submissions from 2 submitters: Likely benign (2). Last evaluated 2024-02-23.

Allele frequency attached by ClinVar (database versions not stated): gnomAD exomes below 0.00001; TOPMed below 0.00001.
gnomAD v4.1: 1 of 1,551,688 alleles (0.000064%); highest among the groups gnomAD compares: Admixed American, 0.002%; no homozygotes.

Submissions (2):

Labcorp Genetics (formerly Invitae), Labcorp
Classification: Likely benign. Last evaluated: 2024-02-23. Review status: criteria provided, single submitter. Criteria: Invitae Variant Classification Sherloc (09022015). Collection method: clinical testing. Allele origin: germline.

GeneDx
Classification: Likely benign. Last evaluated: 2017-11-06. Review status: criteria provided, single submitter. Criteria: GeneDx Variant Classification (06012015). Collection method: clinical testing. Allele origin: germline. Affected: yes.
Comment: This variant is considered likely benign or benign based on one or more of the following criteria: it is a conservative change, it occurs at a poorly conserved position in the protein, it is predicted to be benign by multiple in silico algorithms, and/or has population frequency not consistent with disease.